The following is an entry in ClinVar:

ClinVar aggregate classification (germline): Pathogenic (1 of 4 stars; one submission).

Submission:

Labcorp Genetics (formerly Invitae), Labcorp
Classification: Pathogenic. Last evaluated: 2025-01-27. Review status: criteria provided, single submitter. Criteria: Invitae Variant Classification Sherloc (09022015). Collection method: clinical testing. Allele origin: germline.
Comment: This sequence change creates a premature translational stop signal (p.Asn248Thrfs*3) in the BMP1 gene. It is expected to result in an absent or disrupted protein product. Loss-of-function variants in BMP1 are known to be pathogenic (PMID: 25656619, 27576954, 28257626). This variant is not present in population databases (gnomAD no frequency). This variant has not been reported in the literature in individuals affected with BMP1-related conditions. For these reasons, this variant has been classified as Pathogenic.

Literature cited by the submitters: PubMed 25656619; PubMed 27576954; PubMed 28257626.

NM_006129.5(BMP1):c.743del (p.Asn248fs)

Gene: BMP1 (bone morphogenetic protein 1; plus strand). Cytogenetic location: 8p21.3.
Variant type: Deletion.
Coding change: c.743del on transcript NM_006129.5 (MANE Select); coding-DNA position 743, one base deleted (A; older notation c.743delA).
Protein change: p.Asn248fs; shifts the reading frame from asparagine 248.
Molecular consequence: frameshift variant. On other transcripts: non-coding transcript variant (2).
Genome position (GRCh38, 1-based): chr8:22,177,864, A deleted; the last of 2 consecutive A bases (chr8:22,177,863-22,177,864); deleting either gives the same sequence. VCF-style (leftmost placement, unchanged base first): chr8-22177862-TA-T. GRCh37 (hg19) VCF-style: chr8-22035375-TA-T.
Other names: c.743del, p.Asn248fs (NM_001199.4); short protein forms N248fs.
Identifiers: ClinVar variation 3690564 (VCV003690564.2).
Genomic context (GRCh38, chr8:22,177,862, plus strand): 5'-GCAGACCCACCCCCTCCTCTCCCCCCACACCCTTTTCCTGATCTTGGCAGGGCAGGAGTA[TA>T]ACTTCCTGAAGATGGAGCCTCAGGAGGTGGAGTCCCTGGGGGAGACCTATGACTTCGACA-3'